The following is an entry in ClinVar:

NM_012330.4(KAT6B):c.3730T>C (p.Cys1244Arg)

Gene: KAT6B (lysine acetyltransferase 6B; plus strand). Cytogenetic location: 10q22.2.
Variant type: single nucleotide variant.
Coding change: c.3730T>C on transcript NM_012330.4 (MANE Select); coding-DNA position 3730, T replaced by C.
Protein change: p.Cys1244Arg; replaces cysteine 1244 with arginine.
Molecular consequence: missense variant.
Genome position (GRCh38, 1-based): chr10:75,028,554, T>C. VCF-style: chr10-75028554-T-C. GRCh37 (hg19) VCF-style: chr10-76788312-T-C.
Other names: c.3730T>C (NM_012330.3, NM_012330.2); c.3181T>C, p.Cys1061Arg (NM_001256468.2, NM_001370138.1); c.2854T>C, p.Cys952Arg (NM_001256469.2, NM_001370139.1, NM_001370140.1 and 2 more transcripts); c.2692T>C, p.Cys898Arg (NM_001370132.1); c.2041T>C, p.Cys681Arg (NM_001370133.1); c.1645T>C, p.Cys549Arg (NM_001370134.1); c.1387T>C, p.Cys463Arg (NM_001370135.1); c.3730T>C, p.Cys1244Arg (NM_001370136.1, NM_001370137.1); and 1 more; short protein forms C1244R, C889R, C898R, C952R, C1061R, C463R, C549R, C681R.
Identifiers: ClinVar variation 2892840 (VCV002892840.5), dbSNP rs751941544, ClinGen allele CA5564895.

ClinVar aggregate classification (germline): Uncertain significance. Review status: criteria provided, multiple submitters, no conflicts (2 of 4 stars). 3 submissions from 3 submitters: Uncertain significance (2). 1 of the submissions does not count toward it. Last evaluated 2026-03-31.

Conditions:
KAT6B-related disorder. Also called: KAT6B-related disorders; KAT6B-related condition.
Genitopatellar syndrome (GTPTS). Also called: Genitopatellar syndrome (GPS); ABSENT PATELLAE, SCROTAL HYPOPLASIA, RENAL ANOMALIES, FACIAL DYSMORPHISM, AND MENTAL RETARDATION. Identifiers: Orphanet 85201, MedGen C1853566, MONDO:0011640, OMIM 606170.
Inborn genetic diseases. Identifiers: MedGen C0950123, MeSH D030342.

Allele frequency attached by ClinVar (database versions not stated): gnomAD exomes 0.00001; ExAC 0.00001.
gnomAD v4.1: 21 of 1,614,006 alleles (0.0013%); highest among the groups gnomAD compares: Non-Finnish European, 0.0016%; no homozygotes.

Submissions (3):

Ambry Genetics
Classification: Uncertain significance for Inborn genetic diseases. Last evaluated: 2026-03-31. Review status: criteria provided, single submitter. Criteria: Ambry Variant Classification Scheme 2023. Collection method: clinical testing. Allele origin: germline.
Comment: The c.3730T>C (p.C1244R) alteration is located in exon 18 (coding exon 16) of the KAT6B gene. This alteration results from a T to C substitution at nucleotide position 3730, causing the cysteine (C) at amino acid position 1244 to be replaced by an arginine (R). Based on data from gnomAD, the C allele has an overall frequency of <0.001% (1/251478) total alleles studied. The highest observed frequency was 0.001% (1/113760) of European (non-Finnish) alleles. Based on insufficient or conflicting evidence, the clinical significance of this alteration remains unclear.

Labcorp Genetics (formerly Invitae), Labcorp
Classification: Uncertain significance for Genitopatellar syndrome. Last evaluated: 2022-11-20. Review status: criteria provided, single submitter. Criteria: Invitae Variant Classification Sherloc (09022015). Collection method: clinical testing. Allele origin: germline.
Comment: In summary, the available evidence is currently insufficient to determine the role of this variant in disease. Therefore, it has been classified as a Variant of Uncertain Significance. Advanced modeling of protein sequence and biophysical properties (such as structural, functional, and spatial information, amino acid conservation, physicochemical variation, residue mobility, and thermodynamic stability) performed at Invitae indicates that this missense variant is not expected to disrupt KAT6B protein function. This variant has not been reported in the literature in individuals affected with KAT6B-related conditions. This variant is present in population databases (rs751941544, gnomAD 0.0009%). This sequence change replaces cysteine, which is neutral and slightly polar, with arginine, which is basic and polar, at codon 1244 of the KAT6B protein (p.Cys1244Arg).

PreventionGenetics, part of Exact Sciences
Classification: Likely benign for KAT6B-related condition. Last evaluated: 2024-07-20. Review status: no assertion criteria provided. Collection method: clinical testing. Allele origin: germline. Not counted in ClinVar's aggregate classification.
Comment: This variant is classified as likely benign based on ACMG/AMP sequence variant interpretation guidelines (Richards et al. 2015 PMID: 25741868, with internal and published modifications).